The following is an entry in ClinVar:

ClinVar aggregate classification (germline): Pathogenic. Review status: criteria provided, multiple submitters, no conflicts (2 of 4 stars). 14 submissions from 14 submitters: Pathogenic (10). 4 of the submissions do not count toward it. Last evaluated 2026-04-06.

Conditions:
PDE6B-related disorder. Also called: PDE6B-related disorders; PDE6B-related disease; PDE6B-related condition.
Retinal dystrophy. Also called: Inherited retinal dystrophy. Identifiers: Orphanet 71862, MedGen C0854723, MeSH D058499, MONDO:0019118, HP:0000556.
Retinitis pigmentosa (RP). Identifiers: Orphanet 791, MedGen C0035334, MeSH D012174, MONDO:0019200, OMIM 268000. Inheritance: Autosomal dominant, autosomal recessive and X linked inheritance.
Retinitis pigmentosa 40 (RP40). Identifiers: Orphanet 791, MedGen C3151107, MONDO:0013429, OMIM 613801.

Allele frequency attached by ClinVar (database versions not stated): ExAC 0.00004; gnomAD exomes 0.00004 and 0.00012; gnomAD 0.00005 and 0.00006; TOPMed 0.00007.
gnomAD v4.1: 180 of 1,613,776 alleles (0.011%); highest among the groups gnomAD compares: Non-Finnish European, 0.015%; no homozygotes.

Submissions (14):

PreventionGenetics, part of Exact Sciences
Classification: Pathogenic for PDE6B-related condition. Last evaluated: 2026-04-06. Review status: criteria provided, single submitter. Criteria: ACMG Guidelines, 2015. Collection method: clinical testing. Allele origin: germline.
Comment: The PDE6B c.892C>T variant is predicted to result in premature protein termination (p.Gln298*). This variant has been reported in the homozygous and compound heterozygous state in individuals with retinitis pigmentosa (McLaughlin et al 1993. PubMed ID: 8394174; Comander et al 2017. PubMed ID: 28981474; Khateb et al 2019. PubMed ID: 30998820; supplementary data, Turro et al 2020. PubMed ID: 32581362). This variant is reported in 0.010% of alleles in individuals of European (Non-Finnish) descent in gnomAD. Nonsense variants in PDE6B are expected to be pathogenic for autosomal recessive disease. This variant is interpreted as pathogenic.

Labcorp Genetics (formerly Invitae), Labcorp
Classification: Pathogenic. Last evaluated: 2025-11-25. Review status: criteria provided, single submitter. Criteria: Invitae Variant Classification Sherloc (09022015). Collection method: clinical testing. Allele origin: germline.
Comment: This sequence change creates a premature translational stop signal (p.Gln298*) in the PDE6B gene. It is expected to result in an absent or disrupted protein product. Loss-of-function variants in PDE6B are known to be pathogenic (PMID: 8394174, 8595886, 22334370). This variant is present in population databases (rs121918579, gnomAD 0.008%). This premature translational stop signal has been observed in individuals with autosomal recessive retinitis pigmentosa (PMID: 8394174, 28041643, 29472945). It has also been observed to segregate with disease in related individuals. ClinVar contains an entry for this variant (Variation ID: 13103). For these reasons, this variant has been classified as Pathogenic.

3billion
Classification: Pathogenic for Retinitis pigmentosa 40. Last evaluated: 2025-03-05. Review status: criteria provided, single submitter. Criteria: ACMG Guidelines, 2015. Collection method: clinical testing. Allele origin: germline. Affected: yes.
Comment: The variant is observed at an extremely low frequency in the gnomAD v4.1.0 dataset (total allele frequency: 0.011%). Predicted Consequence/Location: Stop-gained (nonsense): predicted to result in a loss or disruption of normal protein function through nonsense-mediated decay (NMD) or protein truncation. Multiple pathogenic variants are reported downstream of the variant. The variant has been reported at least twice as pathogenic with clinical assertions and evidence for the classification (ClinVar ID: VCV000013103 /PMID: 8394174). Therefore, this variant is classified as Pathogenic according to the recommendation of ACMG/AMP guideline.

GeneDx
Classification: Pathogenic. Last evaluated: 2025-01-14. Review status: criteria provided, single submitter. Criteria: GeneDx Variant Classification Process June 2021. Collection method: clinical testing. Allele origin: germline. Affected: yes.
Comment: Nonsense variant predicted to result in protein truncation or nonsense mediated decay in a gene for which loss-of-function is a known mechanism of disease; This variant is associated with the following publications: (PMID: 7724547, 32531858, 25525159, 25827439, 28981474, 28041643, 30998820, 32581362, 31589614, 31964843, 37217489, 34906470, 38219857, 29472945, 8394174, 22334370, 33673512, 32037395, 36672815, 36819107)

Blueprint Genetics
Classification: Pathogenic for PDE6B-related disorders. Last evaluated: 2024-11-23. Review status: criteria provided, single submitter. Criteria: ACMG Guidelines, 2015. Collection method: clinical testing. Allele origin: germline. Affected: yes. Observed: 5 variant alleles.

CeGaT Center for Human Genetics Tuebingen
Classification: Pathogenic. Last evaluated: 2022-08-01. Review status: criteria provided, single submitter. Criteria: CeGaT Center For Human Genetics Tuebingen Variant Classification Criteria Version 2. Collection method: clinical testing. Allele origin: germline. Affected: yes. Observed: 5 variant alleles.
Comment: PDE6B: PVS1, PM2

Ocular Genomics Institute, Massachusetts Eye and Ear
Classification: Pathogenic for Retinitis pigmentosa 40. Last evaluated: 2021-04-08. Review status: criteria provided, single submitter. Criteria: ACMG Guidelines, 2015. Collection method: research. Allele origin: germline. Affected: yes.
Comment: Through a review of available evidence we were able to apply the following criteria: PVS1, PM2, PP1, PP3. Based on this evidence we have classified this variant as Pathogenic.

Broad Center for Mendelian Genomics, Broad Institute of MIT and Harvard
Classification: Pathogenic for Retinitis pigmentosa. Last evaluated: 2021-04-01. Review status: criteria provided, single submitter. Criteria: ACMG Guidelines, 2015. Collection method: curation. Allele origin: germline. Inheritance: Autosomal recessive inheritance. Affected: yes.
Comment: Through a review of available evidence we were able to apply the following criteria: PVS1, PM2, PP1, PP3. Based on this evidence we have classified this variant as Pathogenic. If you have any questions about the classification please reach out to the Pierce Lab.

Institute of Human Genetics, Univ. Regensburg, Univ. Regensburg
Classification: Pathogenic for Retinal dystrophy. Last evaluated: 2021-01-01. Review status: criteria provided, single submitter. Criteria: ACMG Guidelines, 2015. Collection method: clinical testing. Allele origin: germline. Affected: yes.

Eurofins Ntd Llc (ga)
Classification: Pathogenic. Last evaluated: 2014-08-04. Review status: criteria provided, single submitter. Criteria: EGL Classification Definitions 2015. Collection method: clinical testing. Allele origin: germline. Observed: 1 variant allele, 1 heterozygote.

NIHR Bioresource Rare Diseases, University of Cambridge
Classification: Pathogenic for Retinitis pigmentosa. Last evaluated: 2015-01-01. Review status: no assertion criteria provided. Collection method: research. Allele origin: unknown. Affected: yes. Observed: 1 variant allele. Not counted in ClinVar's aggregate classification.

OMIM
Classification: Pathogenic for RETINITIS PIGMENTOSA 40. Last evaluated: 1993-06-01. Review status: no assertion criteria provided. Collection method: literature only. Allele origin: germline. Not counted in ClinVar's aggregate classification.

Clinical Genetics, Academic Medical Center
Classification: Pathogenic. Review status: no assertion criteria provided. Collection method: clinical testing. Allele origin: germline. Affected: yes. Study: VKGL Data-share Consensus. Not counted in ClinVar's aggregate classification.

Joint Genome Diagnostic Labs from Nijmegen and Maastricht, Radboudumc and MUMC+
Classification: Pathogenic. Review status: no assertion criteria provided. Collection method: clinical testing. Allele origin: germline. Affected: yes. Study: VKGL Data-share Consensus. Not counted in ClinVar's aggregate classification.

Literature cited by the submitters: PubMed 8394174 (cited by 8 submitters); PubMed 8595886 (cited by Labcorp Genetics (formerly Invitae), Labcorp); PubMed 22334370 (cited by Labcorp Genetics (formerly Invitae), Labcorp); PubMed 28041643 (cited by 4 submitters); PubMed 29472945 (cited by Labcorp Genetics (formerly Invitae), Labcorp); PubMed 28981474 (cited by 3 submitters); PubMed 34906470 (cited by Broad Center for Mendelian Genomics, Broad Institute of MIT and Harvard); PubMed 25525159 (cited by Institute of Human Genetics, Univ. Regensburg, Univ. Regensburg); PubMed 31589614 (cited by Institute of Human Genetics, Univ. Regensburg, Univ. Regensburg); PubMed 30998820 (cited by Institute of Human Genetics, Univ. Regensburg, Univ. Regensburg); PubMed 31964843 (cited by Institute of Human Genetics, Univ. Regensburg, Univ. Regensburg); PubMed 32581362 (cited by Institute of Human Genetics, Univ. Regensburg, Univ. Regensburg); PubMed 32531858 (cited by Institute of Human Genetics, Univ. Regensburg, Univ. Regensburg); PubMed 32037395 (cited by Institute of Human Genetics, Univ. Regensburg, Univ. Regensburg); PubMed 36672815 (cited by Institute of Human Genetics, Univ. Regensburg, Univ. Regensburg); PubMed 36819107 (cited by Institute of Human Genetics, Univ. Regensburg, Univ. Regensburg).

NM_000283.4(PDE6B):c.892C>T (p.Gln298Ter)

Genes: PDE6B (phosphodiesterase 6B; plus strand), PDE6B-AS1 (PDE6B antisense RNA 1; minus strand). Cytogenetic location: 4p16.3.
Variant type: single nucleotide variant.
Coding change: c.892C>T on transcript NM_000283.4 (MANE Select); coding-DNA position 892, C replaced by T.
Protein change: p.Gln298Ter; replaces glutamine 298 with a stop codon.
Molecular consequence: nonsense. On other transcripts: 5 prime UTR variant (1).
Genome position (GRCh38, 1-based): chr4:654,119, C>T. VCF-style: chr4-654119-C-T. GRCh37 (hg19) VCF-style: chr4-647908-C-T.
Other names: c.892C>T, p.Gln298Ter (NM_001145291.2); c.55C>T, p.Gln19Ter (NM_001145292.2, NM_001350154.3, NM_001379246.1 and 1 more transcripts); c.-149C>T (NM_001350155.3); short protein forms Q298*, Q19*.
Identifiers: ClinVar variation 13103 (VCV000013103.62), dbSNP rs121918579, ClinGen allele CA256715.